The following is an entry in ClinVar:

NM_004304.5(ALK):c.557G>A (p.Arg186Lys)

Gene: ALK (ALK receptor tyrosine kinase; minus strand). Cytogenetic location: 2p23.1.
Variant type: single nucleotide variant.
Coding change: c.557G>A on transcript NM_004304.5 (MANE Select); coding-DNA position 557, G replaced by A.
Protein change: p.Arg186Lys; replaces arginine 186 with lysine.
Molecular consequence: missense variant.
Genome position (GRCh38, 1-based): chr2:29,920,103, C>T on the plus strand (G>A on the coding strand, the complement: ALK is on the minus strand). VCF-style: chr2-29920103-C-T. GRCh37 (hg19) VCF-style: chr2-30142969-C-T.
Other names: short protein forms R186K.
Identifiers: ClinVar variation 968355 (VCV000968355.11), dbSNP rs774403380, ClinGen allele CA1594943.

ClinVar aggregate classification (germline): Uncertain significance. Review status: criteria provided, multiple submitters, no conflicts (2 of 4 stars). 2 submissions from 2 submitters: Uncertain significance (2). Last evaluated 2025-11-17.

Conditions:
Neuroblastoma, susceptibility to, 3. Also called: ALK-Related Neuroblastic Tumor Susceptibility. Identifiers: Orphanet 635, MedGen C2751681, MONDO:0013083, OMIM 613014.
Hereditary cancer-predisposing syndrome. Also called: Hereditary neoplastic syndrome; Hereditary Cancer Syndrome; Tumor predisposition; Neoplastic Syndromes, Hereditary. Identifiers: Orphanet 140162, MedGen C0027672, MeSH D009386, MONDO:0015356.

Allele frequency attached by ClinVar (database versions not stated): gnomAD exomes below 0.00001; ExAC 0.00001.
gnomAD v4.1: 1 of 1,614,178 alleles (0.000062%); highest among the groups gnomAD compares: Non-Finnish European, 0.000085%; no homozygotes.

Submissions (2):

Labcorp Genetics (formerly Invitae), Labcorp
Classification: Uncertain significance for Neuroblastoma, susceptibility to, 3. Last evaluated: 2025-11-17. Review status: criteria provided, single submitter. Criteria: Invitae Variant Classification Sherloc (09022015). Collection method: clinical testing. Allele origin: germline.
Comment: This sequence change replaces arginine, which is basic and polar, with lysine, which is basic and polar, at codon 186 of the ALK protein (p.Arg186Lys). This variant is present in population databases (rs774403380, gnomAD 0.0009%). This variant has not been reported in the literature in individuals affected with ALK-related conditions. ClinVar contains an entry for this variant (Variation ID: 968355). An algorithm developed to predict the effect of missense changes on protein structure and function (PolyPhen-2) suggests that this variant is likely to be disruptive. In summary, the available evidence is currently insufficient to determine the role of this variant in disease. Therefore, it has been classified as a Variant of Uncertain Significance.

Ambry Genetics
Classification: Uncertain significance for Hereditary cancer-predisposing syndrome. Last evaluated: 2024-05-16. Review status: criteria provided, single submitter. Criteria: Ambry Variant Classification Scheme 2023. Collection method: clinical testing. Allele origin: germline.
Comment: The p.R186K variant (also known as c.557G>A), located in coding exon 1 of the ALK gene, results from a G to A substitution at nucleotide position 557. The arginine at codon 186 is replaced by lysine, an amino acid with highly similar properties. This amino acid position is conserved. In addition, the in silico prediction for this alteration is inconclusive. Since supporting evidence is limited at this time, the clinical significance of this alteration remains unclear.